The following is an entry in ClinVar:

NM_000228.3(LAMB3):c.3228+2T>A

Gene: LAMB3 (laminin subunit beta 3; minus strand). Cytogenetic location: 1q32.2.
Variant type: single nucleotide variant.
Coding change: c.3228+2T>A on transcript NM_000228.3 (MANE Select); the canonical splice donor site of the intron after coding-DNA position 3228, T replaced by A.
Molecular consequence: splice donor variant.
Genome position (GRCh38, 1-based): chr1:209,617,408, A>T on the plus strand (T>A on the coding strand, the complement: LAMB3 is on the minus strand). VCF-style: chr1-209617408-A-T. GRCh37 (hg19) VCF-style: chr1-209790753-A-T.
Other names: c.3228+2T>A (NM_001127641.1, NM_001017402.2).
Identifiers: ClinVar variation 2202927 (VCV002202927.4), dbSNP rs1558146839, ClinGen allele CA344583469.

ClinVar aggregate classification (germline): Pathogenic (1 of 4 stars; one submission).

Allele frequency attached by ClinVar (database versions not stated): gnomAD exomes below 0.00001.
gnomAD v4.1: 1 of 1,612,170 alleles (0.000062%); highest among the groups gnomAD compares: South Asian, 0.0011%; no homozygotes.

Submission:

Labcorp Genetics (formerly Invitae), Labcorp
Classification: Pathogenic. Last evaluated: 2022-05-05. Review status: criteria provided, single submitter. Criteria: Invitae Variant Classification Sherloc (09022015). Collection method: clinical testing. Allele origin: germline.
Comment: For these reasons, this variant has been classified as Pathogenic. Algorithms developed to predict the effect of sequence changes on RNA splicing suggest that this variant may disrupt the consensus splice site. Disruption of this splice site has been observed in individual(s) with autosomal recessive junctional epidermolysis bullosa (PMID: 11023379, 21801158). In at least one individual the data is consistent with being in trans (on the opposite chromosome) from a pathogenic variant. This variant is not present in population databases (gnomAD no frequency). This sequence change affects a donor splice site in intron 21 of the LAMB3 gene. It is expected to disrupt RNA splicing. Variants that disrupt the donor or acceptor splice site typically lead to a loss of protein function (PMID: 16199547), and loss-of-function variants in LAMB3 are known to be pathogenic (PMID: 11023379, 16473856).

Literature cited by the submitters: PubMed 11023379; PubMed 21801158; PubMed 16199547; PubMed 16473856.